The following is an entry in ClinVar:

ClinVar aggregate classification (germline): Likely benign (1 of 4 stars; one submission).

Submission:

GeneDx
Classification: Likely benign. Last evaluated: 2016-07-20. Review status: criteria provided, single submitter. Criteria: GeneDx Variant Classification (06012015). Collection method: clinical testing. Allele origin: germline. Affected: yes.
Comment: This variant is considered likely benign or benign based on one or more of the following criteria: it is a conservative change, it occurs at a poorly conserved position in the protein, it is predicted to be benign by multiple in silico algorithms, and/or has population frequency not consistent with disease.

NM_058216.3(RAD51C):c.819A>G (p.Ala273=)

Gene: RAD51C (RAD51 paralog C; plus strand). Cytogenetic location: 17q22.
Variant type: single nucleotide variant.
Coding change: c.819A>G on transcript NM_058216.3 (MANE Select); coding-DNA position 819, A replaced by G.
Protein change: p.Ala273=; no amino-acid change (alanine 273 retained).
Molecular consequence: synonymous variant. On other transcripts: non-coding transcript variant (1).
Genome position (GRCh38, 1-based): chr17:58,709,972, A>G. VCF-style: chr17-58709972-A-G. GRCh37 (hg19) VCF-style: chr17-56787333-A-G.
Identifiers: ClinVar variation 387893 (VCV000387893.1), dbSNP rs1057522932, ClinGen allele CA16607390.